The following is an entry in ClinVar:

ClinVar aggregate classification (germline): Uncertain significance (1 of 4 stars; one submission).

Conditions:
DACT1-related disorder. Also called: DACT1-related condition.

gnomAD v4.1: 62 of 1,614,076 alleles (0.0038%); highest among the groups gnomAD compares: Admixed American, 0.012%; no homozygotes.

Submission:

PreventionGenetics, part of Exact Sciences
Classification: Uncertain significance for DACT1-related condition. Last evaluated: 2025-01-16. Review status: criteria provided, single submitter. Criteria: ACMG Guidelines, 2015. Collection method: clinical testing. Allele origin: germline.
Comment: The DACT1 c.844A>G variant is predicted to result in the amino acid substitution p.Met282Val. To our knowledge, this variant has not been reported in the literature. This variant is reported in 0.016% of alleles in individuals of South Asian descent in gnomAD. At this time, the clinical significance of this variant is uncertain due to the absence of conclusive functional and genetic evidence.

NM_001079520.2(DACT1):c.733A>G (p.Met245Val)

Gene: DACT1 (dishevelled binding antagonist of beta catenin 1; plus strand). Cytogenetic location: 14q23.1.
Variant type: single nucleotide variant.
Coding change: c.733A>G on transcript NM_001079520.2 (MANE Select); coding-DNA position 733, A replaced by G.
Protein change: p.Met245Val; replaces methionine 245 with valine.
Molecular consequence: missense variant. On other transcripts: non-coding transcript variant (5).
Genome position (GRCh38, 1-based): chr14:58,645,467, A>G. VCF-style: chr14-58645467-A-G. GRCh37 (hg19) VCF-style: chr14-59112185-A-G.
Other names: c.844A>G, p.Met282Val (NM_016651.6); short protein forms M282V, M245V.
Identifiers: ClinVar variation 4978778 (VCV004978778.1).